The following is an entry in ClinVar:

ClinVar aggregate classification (germline): Likely benign (1 of 4 stars; one submission).

Conditions:
TRIM32-related disorder. Also called: TRIM32-related condition.

Submission:

PreventionGenetics, part of Exact Sciences
Classification: Likely benign for TRIM32-related condition. Last evaluated: 2025-11-26. Review status: criteria provided, single submitter. Criteria: ACMG Guidelines, 2015. Collection method: clinical testing. Allele origin: germline.
Comment: This variant is classified as likely benign based on ACMG/AMP sequence variant interpretation guidelines (Richards et al. 2015 PMID: 25741868, with internal and published modifications).

NM_012210.4(TRIM32):c.429G>A (p.Glu143=)

Genes: ASTN2 (astrotactin 2; minus strand), TRIM32 (tripartite motif containing 32; plus strand). Cytogenetic location: 9q33.1.
Variant type: single nucleotide variant.
Coding change: c.429G>A on transcript NM_012210.4 (MANE Select); coding-DNA position 429, G replaced by A.
Protein change: p.Glu143=; no amino-acid change (glutamic acid 143 retained).
Molecular consequence: synonymous variant. On other transcripts: intron variant (3).
Genome position (GRCh38, 1-based): chr9:116,698,171, G>A. VCF-style: chr9-116698171-G-A. GRCh37 (hg19) VCF-style: chr9-119460450-G-A.
Other names: c.429G>A, p.Glu143= (NM_001099679.2, NM_001379048.1, NM_001379049.1 and 1 more transcripts); c.2653+27600C>T (NM_014010.5); c.2794+27600C>T (NM_001365069.1); c.2806+27600C>T (NM_001365068.1).
Identifiers: ClinVar variation 4995637 (VCV004995637.1).